The following is an entry in ClinVar:

ClinVar aggregate classification (germline): Uncertain significance. Review status: criteria provided, multiple submitters, no conflicts (2 of 4 stars). 2 submissions from 2 submitters: Uncertain significance (2). Last evaluated 2026-08-24.

Conditions:
BBS12-related disorder. Also called: BBS12-related condition.
Inborn genetic diseases. Identifiers: MedGen C0950123, MeSH D030342.

gnomAD v4.1: 2 of 1,614,184 alleles (0.00012%); highest among the groups gnomAD compares: Non-Finnish European, 0.00017%; no homozygotes.

Submissions (2):

PreventionGenetics, part of Exact Sciences
Classification: Uncertain significance for BBS12-related condition. Last evaluated: 2026-08-24. Review status: criteria provided, single submitter. Criteria: ACMG Guidelines, 2015. Collection method: clinical testing. Allele origin: germline.
Comment: The BBS12 c.1694G>A variant is predicted to result in the amino acid substitution p.Cys565Tyr. To our knowledge, this variant has not been reported in the literature or in a large population database (gnomAD), indicating this variant is rare. At this time, the clinical significance of this variant is uncertain due to the absence of conclusive functional and genetic evidence.

Ambry Genetics
Classification: Uncertain significance for Inborn genetic diseases. Last evaluated: 2024-03-19. Review status: criteria provided, single submitter. Criteria: Ambry Variant Classification Scheme 2023. Collection method: clinical testing. Allele origin: germline.

NM_152618.3(BBS12):c.1694G>A (p.Cys565Tyr)

Gene: BBS12 (Bardet-Biedl syndrome 12; plus strand). Cytogenetic location: 4q27.
Variant type: single nucleotide variant.
Coding change: c.1694G>A on transcript NM_152618.3 (MANE Select); coding-DNA position 1694, G replaced by A.
Protein change: p.Cys565Tyr; replaces cysteine 565 with tyrosine.
Molecular consequence: missense variant.
Genome position (GRCh38, 1-based): chr4:122,743,586, G>A. VCF-style: chr4-122743586-G-A. GRCh37 (hg19) VCF-style: chr4-123664741-G-A.
Other names: c.1694G>A, p.Cys565Tyr (NM_001178007.2); short protein forms C565Y.
Identifiers: ClinVar variation 3260533 (VCV003260533.2).